The following is an entry in ClinVar:

ClinVar aggregate classification (germline): Uncertain significance. Review status: criteria provided, single submitter (1 of 4 stars). 2 submissions from 2 submitters: Uncertain significance (1). 1 of the submissions does not count toward it. Last evaluated 2024-09-12.

Conditions:
Short stature. Identifiers: MedGen C0349588, HP:0004322.

Allele frequency attached by ClinVar (database versions not stated): gnomAD exomes 0.00001; TOPMed 0.00001; ExAC 0.00005; ESP Exome Variant Server 0.00022.
gnomAD v4.1: 11 of 1,551,592 alleles (0.00071%); highest among the groups gnomAD compares: East Asian, 0.0024%; no homozygotes.

Submissions (2):

GeneDx
Classification: Uncertain significance. Last evaluated: 2024-09-12. Review status: criteria provided, single submitter. Criteria: GeneDx Variant Classification Process June 2021. Collection method: clinical testing. Allele origin: germline. Affected: yes.
Comment: Not observed at significant frequency in large population cohorts (gnomAD); In silico analysis supports that this missense variant has a deleterious effect on protein structure/function; Has not been previously published as pathogenic or benign to our knowledge

Institute of Human Genetics, FAU Erlangen, Friedrich-Alexander-Universität Erlangen-Nürnberg
Classification: Likely pathogenic for Short stature. Last evaluated: 2001-11-18. Review status: no assertion criteria provided. Collection method: case-control. Allele origin: unknown. Affected: yes. Not counted in ClinVar's aggregate classification.

NM_001142966.3(GREB1L):c.988C>T (p.Arg330Trp)

Genes: GREB1L (GREB1 like retinoic acid receptor coactivator; plus strand), LOC101927521 (uncharacterized LOC101927521; minus strand). Cytogenetic location: 18q11.1.
Variant type: single nucleotide variant.
Coding change: c.988C>T on transcript NM_001142966.3 (MANE Select); coding-DNA position 988, C replaced by T.
Protein change: p.Arg330Trp; replaces arginine 330 with tryptophan.
Molecular consequence: missense variant.
Genome position (GRCh38, 1-based): chr18:21,440,307, C>T. VCF-style: chr18-21440307-C-T. GRCh37 (hg19) VCF-style: chr18-19020268-C-T.
Other names: short protein forms R330W.
Identifiers: ClinVar variation 599513 (VCV000599513.4), dbSNP rs377314861, ClinGen allele CA8906361.